The following is an entry in ClinVar:

ClinVar aggregate classification (germline): Pathogenic/Likely pathogenic. Review status: criteria provided, multiple submitters, no conflicts (2 of 4 stars). 4 submissions from 4 submitters: Pathogenic (3); Likely pathogenic (1). Last evaluated 2026-01-19.

Conditions:
COL17A1-related disorders.

Submissions (4):

Labcorp Genetics (formerly Invitae), Labcorp
Classification: Pathogenic. Last evaluated: 2026-01-19. Review status: criteria provided, single submitter. Criteria: Invitae Variant Classification Sherloc (09022015). Collection method: clinical testing. Allele origin: germline.
Comment: This sequence change creates a premature translational stop signal (p.Arg584*) in the COL17A1 gene. It is expected to result in an absent or disrupted protein product. Loss-of-function variants in COL17A1 are known to be pathogenic (PMID: 16473856, 17344927, 20301304, 21357940, 24319098). The frequency data for this variant in the population databases is considered unreliable, as metrics indicate poor data quality at this position in the gnomAD database. This premature translational stop signal has been observed in individual(s) with COL17A1-related conditions (PMID: 30761300). ClinVar contains an entry for this variant (Variation ID: 2570774). For these reasons, this variant has been classified as Pathogenic.

GeneDx
Classification: Pathogenic. Last evaluated: 2025-05-05. Review status: criteria provided, single submitter. Criteria: GeneDx Variant Classification Process June 2021. Collection method: clinical testing. Allele origin: germline. Affected: yes.
Comment: Identified with a second COL17A1 variant in an individual with JEB, however, it is unclear if parental segregation studies were completed to confirm that these variants are on different (in trans) chromosomes (PMID: 30761300); Nonsense variant predicted to result in protein truncation or nonsense mediated decay in a gene for which loss of function is a known mechanism of disease; Not observed at significant frequency in large population cohorts (gnomAD); This variant is associated with the following publications: (PMID: 30761300)

CeGaT Center for Human Genetics Tuebingen
Classification: Pathogenic. Last evaluated: 2023-06-01. Review status: criteria provided, single submitter. Criteria: CeGaT Center For Human Genetics Tuebingen Variant Classification Criteria Version 2. Collection method: clinical testing. Allele origin: germline. Affected: yes. Observed: 1 variant allele.
Comment: COL17A1: PVS1, PM2, PM3

Blueprint Genetics
Classification: Likely pathogenic for COL17A1-related disorders. Last evaluated: 2018-10-19. Review status: criteria provided, single submitter. Criteria: ACMG Guidelines, 2015. Collection method: clinical testing. Allele origin: germline. Affected: yes. Observed: 1 variant allele.

Literature cited by the submitters: PubMed 16473856 (cited by Labcorp Genetics (formerly Invitae), Labcorp); PubMed 17344927 (cited by Labcorp Genetics (formerly Invitae), Labcorp); PubMed 20301304 (cited by Labcorp Genetics (formerly Invitae), Labcorp); PubMed 21357940 (cited by Labcorp Genetics (formerly Invitae), Labcorp); PubMed 24319098 (cited by Labcorp Genetics (formerly Invitae), Labcorp); PubMed 30761300 (cited by Labcorp Genetics (formerly Invitae), Labcorp).

NM_000494.4(COL17A1):c.1750C>T (p.Arg584Ter)

Genes: COL17A1 (collagen type XVII alpha 1 chain; minus strand), LOC126861025 (CDK7 strongly-dependent group 2 enhancer GRCh37_chr10:105813739-105814938; plus strand). Cytogenetic location: 10q25.1.
Variant type: single nucleotide variant.
Coding change: c.1750C>T on transcript NM_000494.4 (MANE Select); coding-DNA position 1750, C replaced by T.
Protein change: p.Arg584Ter; replaces arginine 584 with a stop codon.
Molecular consequence: nonsense.
Genome position (GRCh38, 1-based): chr10:104,054,113, G>A on the plus strand (C>T on the coding strand, the complement: COL17A1 is on the minus strand). VCF-style: chr10-104054113-G-A. GRCh37 (hg19) VCF-style: chr10-105813871-G-A.
Other names: c.1750C>T (NM_000494.3); short protein forms R584*.
Identifiers: ClinVar variation 2570774 (VCV002570774.32), dbSNP rs894978176, ClinGen allele CA212418329.